The following is an entry in ClinVar:

NM_000179.3(MSH6):c.1059dup (p.Gly354fs)

Gene: MSH6 (mutS homolog 6; plus strand). Cytogenetic location: 2p16.3.
Variant type: Duplication.
Coding change: c.1059dup on transcript NM_000179.3 (MANE Select); coding-DNA position 1059, one base duplicated (T; older notation c.1059dupT).
Protein change: p.Gly354fs; shifts the reading frame from glycine 354.
Molecular consequence: frameshift variant.
Genome position (GRCh38, 1-based): chr2:47,799,042, T duplicated. VCF-style (leftmost placement, unchanged base first): chr2-47799041-G-GT. GRCh37 (hg19) VCF-style: chr2-48026180-G-GT.
Other names: c.669dup, p.Gly224fs (NM_001281492.2); c.153dup, p.Gly52fs (NM_001281493.2, NM_001281494.2); c.1059dupT (NM_000179.2); short protein forms G224fs, G354fs, G52fs.
Identifiers: ClinVar variation 230723 (VCV000230723.6), dbSNP rs876658728, ClinGen allele CA10578058.
Genomic context (GRCh38, chr2:47,799,041, plus strand): 5'-CCAAGAATACTTTGAGAGCTTTCTCTGCCCCTCAAAATTCTGAATCCCAAGCCCACGTTA[G>GT]TGGAGGTGGTGATGACAGTAGTCGCCCTACTGTTTGGTATCATGAAACTTTAGAATGGCT-3'

ClinVar aggregate classification (germline): Pathogenic. Review status: criteria provided, multiple submitters, no conflicts (2 of 4 stars). 2 submissions from 2 submitters: Pathogenic (2). Last evaluated 2015-04-03.

Conditions:
Hereditary cancer-predisposing syndrome. Also called: Neoplastic Syndromes, Hereditary; Tumor predisposition; Hereditary Cancer Syndrome; Hereditary neoplastic syndrome. Identifiers: Orphanet 140162, MedGen C0027672, MeSH D009386, MONDO:0015356.

Submissions (2):

GeneDx
Classification: Pathogenic. Last evaluated: 2015-04-03. Review status: criteria provided, single submitter. Criteria: GeneDx Variant Classification (06012015). Collection method: clinical testing. Allele origin: germline. Affected: yes.
Comment: This duplication of one nucleotide in MSH6 is denoted c.1059dupT at the cDNA level and p.Gly354TrpfsX4 (G354WfsX4) at the protein level. The normal sequence, with the base that is duplicated in brackets, is TTAG[T]GGAG. The duplication causes a frameshift, which changes a Glycine to a Tryptophan at codon 354, and creates a premature stop codon at position 4 of the new reading frame. Although this variant has not, to our knowledge, been reported in the literature, it is predicted to cause loss of normal protein function through either protein truncation or nonsense-mediated mRNA decay. we consider this variant to be pathogenic.

Ambry Genetics
Classification: Pathogenic for Hereditary cancer-predisposing syndrome. Last evaluated: 2015-03-09. Review status: criteria provided, single submitter. Criteria: Ambry Variant Classification Scheme 2023. Collection method: clinical testing. Allele origin: germline.
Comment: The c.1059dupT pathogenic mutation, located in coding exon 4 of the MSH6 gene, results from a duplication of one nucleotide at position 1059, causing a translational frameshift with a predicted alternate stop codon. Since frameshifts are typically deleterious in nature, this alteration is interpreted as a disease-causing mutation (ACMG Recommendations for Standards for Interpretation and Reporting of Sequence Variations. Revision 2007. Genet Med. 2008;10:294).